The following is an entry in ClinVar:

ClinVar aggregate classification (germline): Uncertain significance. Review status: criteria provided, multiple submitters, no conflicts (2 of 4 stars). 2 submissions from 2 submitters: Uncertain significance (2). Last evaluated 2024-01-24.

Conditions:
Hereditary cancer-predisposing syndrome. Also called: Neoplastic Syndromes, Hereditary; Tumor predisposition; Hereditary neoplastic syndrome; Hereditary Cancer Syndrome. Identifiers: Orphanet 140162, MedGen C0027672, MeSH D009386, MONDO:0015356.
Oligodontia-cancer predisposition syndrome. Also called: TOOTH AGENESIS-COLORECTAL CANCER SYNDROME. Identifiers: Orphanet 300576, MedGen C1837750, MONDO:0012075, OMIM 608615. Disease mechanism: loss of function.

Submissions (2):

Labcorp Genetics (formerly Invitae), Labcorp
Classification: Uncertain significance for Oligodontia-cancer predisposition syndrome. Last evaluated: 2024-01-24. Review status: criteria provided, single submitter. Criteria: Invitae Variant Classification Sherloc (09022015). Collection method: clinical testing. Allele origin: germline.
Comment: This sequence change replaces proline, which is neutral and non-polar, with leucine, which is neutral and non-polar, at codon 686 of the AXIN2 protein (p.Pro686Leu). This variant is not present in population databases (gnomAD no frequency). This variant has not been reported in the literature in individuals affected with AXIN2-related conditions. ClinVar contains an entry for this variant (Variation ID: 2451674). Advanced modeling of protein sequence and biophysical properties (such as structural, functional, and spatial information, amino acid conservation, physicochemical variation, residue mobility, and thermodynamic stability) performed at Invitae indicates that this missense variant is expected to disrupt AXIN2 protein function with a positive predictive value of 80%. In summary, the available evidence is currently insufficient to determine the role of this variant in disease. Therefore, it has been classified as a Variant of Uncertain Significance.

Ambry Genetics
Classification: Uncertain significance for Hereditary cancer-predisposing syndrome. Last evaluated: 2023-03-06. Review status: criteria provided, single submitter. Criteria: Ambry Variant Classification Scheme 2023. Collection method: clinical testing. Allele origin: germline.
Comment: The p.P686L variant (also known as c.2057C>T), located in coding exon 7 of the AXIN2 gene, results from a C to T substitution at nucleotide position 2057. The proline at codon 686 is replaced by leucine, an amino acid with similar properties. This amino acid position is conserved. In addition, the in silico prediction for this alteration is inconclusive. Since supporting evidence is limited at this time, the clinical significance of this alteration remains unclear.

NM_004655.4(AXIN2):c.2057C>T (p.Pro686Leu)

Gene: AXIN2 (axin 2; minus strand). Cytogenetic location: 17q24.1.
Variant type: single nucleotide variant.
Coding change: c.2057C>T on transcript NM_004655.4 (MANE Select); coding-DNA position 2057, C replaced by T.
Protein change: p.Pro686Leu; replaces proline 686 with leucine.
Molecular consequence: missense variant.
Genome position (GRCh38, 1-based): chr17:65,536,404, G>A on the plus strand (C>T on the coding strand, the complement: AXIN2 is on the minus strand). VCF-style: chr17-65536404-G-A. GRCh37 (hg19) VCF-style: chr17-63532522-G-A.
Other names: c.1862C>T, p.Pro621Leu (NM_001363813.1); short protein forms P686L, P621L.
Identifiers: ClinVar variation 2451674 (VCV002451674.5), dbSNP rs2043916427, ClinGen allele CA400676070.
Genomic context (GRCh38, chr17:65,536,404, plus strand): 5'-TCAGCTAGCCTGCGACAGGCCTCCTCCAGCTGAGCCAGCGTGTTGGGTGGGGTCAGGGGA[G>A]GCATCGCAGGGTCCTGGGTGAACAGGTGGGCACGGGGGGTGGTGCGGGGGTGCCCGCTGT-3'
Protein context (NP_004646.3, residues 676-696): AHLFTQDPAM[Pro686Leu]PLTPPNTLAQ